The following is an entry in ClinVar:

ClinVar aggregate classification (germline): Uncertain significance. Review status: criteria provided, single submitter (1 of 4 stars). 2 submissions from 2 submitters: Uncertain significance (1). 1 of the submissions does not count toward it. Last evaluated 2024-05-21.

Conditions:
Familial cancer of breast. Also called: hereditary breast carcinoma; BREAST CANCER, FAMILIAL; Hereditary breast cancer. Identifiers: Orphanet 227535, MedGen C0346153, MONDO:0016419, OMIM 114480. Disease mechanism: loss of function.

Submissions (2):

Labcorp Genetics (formerly Invitae), Labcorp
Classification: Uncertain significance for Familial cancer of breast. Last evaluated: 2024-05-21. Review status: criteria provided, single submitter. Criteria: Invitae Variant Classification Sherloc (09022015). Collection method: clinical testing. Allele origin: germline.
Comment: This variant, c.1263_1265dup, results in the insertion of 1 amino acid(s) of the PALB2 protein (p.Lys422dup), but otherwise preserves the integrity of the reading frame. This variant is not present in population databases (gnomAD no frequency). This variant has not been reported in the literature in individuals affected with PALB2-related conditions. Experimental studies and prediction algorithms are not available or were not evaluated, and the functional significance of this variant is currently unknown. In summary, the available evidence is currently insufficient to determine the role of this variant in disease. Therefore, it has been classified as a Variant of Uncertain Significance.

Gharavi Laboratory, Columbia University
Classification: Uncertain significance. Last evaluated: 2018-09-16. Review status: no assertion criteria provided. Criteria: ACMG Guidelines, 2015. Collection method: research. Allele origin: germline. Affected: yes. Not counted in ClinVar's aggregate classification.

NM_024675.4(PALB2):c.1263_1265dup (p.Lys422dup)

Gene: PALB2 (partner and localizer of BRCA2; minus strand). Cytogenetic location: 16p12.2.
Variant type: Duplication.
Coding change: c.1263_1265dup on transcript NM_024675.4 (MANE Select); coding-DNA positions 1263 to 1265, 3 bases duplicated (GAA; older notation c.1263_1265dupGAA).
Protein change: p.Lys422dup; duplicates lysine 422.
Molecular consequence: inframe insertion.
Genome position (GRCh38, 1-based): chr16:23,635,281-23,635,283, TTC duplicated on the plus strand (GAA on the coding strand, the reverse complement: PALB2 is on the minus strand). VCF-style (leftmost placement, unchanged base first): chr16-23635280-T-TTTC. GRCh37 (hg19) VCF-style: chr16-23646601-T-TTTC.
Identifiers: ClinVar variation 591261 (VCV000591261.10), dbSNP rs1567221237, ClinGen allele CA891863017.